The following is an entry in ClinVar:

ClinVar aggregate classification (germline): Uncertain significance. Review status: criteria provided, single submitter (1 of 4 stars). 2 submissions from 2 submitters: Uncertain significance (1). 1 of the submissions does not count toward it. Last evaluated 2022-01-19.

Conditions:
Autosomal recessive limb-girdle muscular dystrophy type 2O. Also called: Limb-Girdle Muscular Dystrophy Type 3C; MUSCULAR DYSTROPHY-DYSTROGLYCANOPATHY (LIMB-GIRDLE), TYPE C, 3; MUSCULAR DYSTROPHY-DYSTROGLYCANOPATHY, LIMB-GIRDLE, POMGNT1-RELATED. Identifiers: Orphanet 206564, MedGen C3150417, MONDO:0013161, OMIM 613157.
Muscular dystrophy-dystroglycanopathy (congenital with impaired intellectual development), type B, 3. Also called: MUSCULAR DYSTROPHY, CONGENITAL, POMGNT1-RELATED; Muscular dystrophy-dystroglycanopathy (congenital with intellectual disability), type B3. Identifiers: MedGen C3150412, MONDO:0013155, OMIM 613151.
Muscle eye brain disease (MEB). Also called: Santavuori congenital muscular dystrophy. Identifiers: Orphanet 588, Orphanet 899, MedGen C0457133, MONDO:0018939.

Allele frequency attached by ClinVar (database versions not stated): gnomAD 0.00002 and 0.00001; TOPMed 0.00002; gnomAD exomes 0.00001.
gnomAD v4.1: 10 of 1,614,070 alleles (0.00062%); highest among the groups gnomAD compares: Non-Finnish European, 0.00085%; no homozygotes.

Submissions (2):

Labcorp Genetics (formerly Invitae), Labcorp
Classification: Uncertain significance for Autosomal recessive limb-girdle muscular dystrophy type 2O; Muscular dystrophy-dystroglycanopathy (congenital with impaired intellectual development), type B, 3. Last evaluated: 2022-01-19. Review status: criteria provided, single submitter. Criteria: Invitae Variant Classification Sherloc (09022015). Collection method: clinical testing. Allele origin: germline.
Comment: This sequence change replaces glycine, which is neutral and non-polar, with aspartic acid, which is acidic and polar, at codon 205 of the POMGNT1 protein (p.Gly205Asp). This variant is present in population databases (no rsID available, gnomAD 0.007%). This variant has not been reported in the literature in individuals affected with POMGNT1-related conditions. ClinVar contains an entry for this variant (Variation ID: 1006599). Advanced modeling of protein sequence and biophysical properties (such as structural, functional, and spatial information, amino acid conservation, physicochemical variation, residue mobility, and thermodynamic stability) performed at Invitae indicates that this missense variant is not expected to disrupt POMGNT1 protein function. In summary, the available evidence is currently insufficient to determine the role of this variant in disease. Therefore, it has been classified as a Variant of Uncertain Significance.

Natera, Inc.
Classification: Uncertain significance for Muscle-eye-brain disease. Last evaluated: 2020-06-11. Review status: no assertion criteria provided. Collection method: clinical testing. Allele origin: germline. Not counted in ClinVar's aggregate classification.

NM_017739.4(POMGNT1):c.614G>A (p.Gly205Asp)

Genes: POMGNT1 (protein O-linked mannose N-acetylglucosaminyltransferase 1 (beta 1,2-); minus strand), TSPAN1 (tetraspanin 1; plus strand). Cytogenetic location: 1p34.1.
Variant type: single nucleotide variant.
Coding change: c.614G>A on transcript NM_017739.4 (MANE Select); coding-DNA position 614, G replaced by A.
Protein change: p.Gly205Asp; replaces glycine 205 with aspartic acid.
Molecular consequence: missense variant.
Genome position (GRCh38, 1-based): chr1:46,194,882, C>T on the plus strand (G>A on the coding strand, the complement: POMGNT1 is on the minus strand). VCF-style: chr1-46194882-C-T. GRCh37 (hg19) VCF-style: chr1-46660554-C-T.
Other names: c.614G>A, p.Gly205Asp (NM_001243766.2, NM_001410783.1); c.548G>A, p.Gly183Asp (NM_001290129.3); c.185G>A, p.Gly62Asp (NM_001290130.2); short protein forms G183D, G205D, G62D.
Identifiers: ClinVar variation 1006599 (VCV001006599.3), dbSNP rs1188660252, ClinGen allele CA340186733.
Genomic context (GRCh38, chr1:46,194,882, plus strand): 5'-GGATGGCCTCTGATGCCGGCACCTCCTTTTCGTCCCACGAAGGCCCATGTGTCCCTCCAG[C>T]CCAGGGCAGGGCCAGCCTGGCTGCCCAGGCTCCTCAGCAGAGCCTTGGCTGTGTCCTTGA-3'
Protein context (NP_060209.4, residues 195-215): SLGSQAGPAL[Gly205Asp]WRDTWAFVGR